The following is an entry in ClinVar:

ClinVar aggregate classification (germline): Uncertain significance. Review status: criteria provided, multiple submitters, no conflicts (2 of 4 stars). 2 submissions from 2 submitters: Uncertain significance (2). Last evaluated 2025-12-20.

Conditions:
Colorectal cancer, hereditary nonpolyposis, type 7. Identifiers: Orphanet 144, MedGen C1858380, MONDO:0013725, OMIM 614385.

Allele frequency attached by ClinVar (database versions not stated): ExAC 0.00002; gnomAD 0.00002; TOPMed 0.00003; 1000 Genomes Project 30x 0.00016; 1000 Genomes Project 0.00020; gnomAD exomes 0.00001.
gnomAD v4.1: 11 of 1,614,200 alleles (0.00068%); highest among the groups gnomAD compares: African/African-American, 0.011%; no homozygotes.

Submissions (2):

Ambry Genetics
Classification: Uncertain significance. Last evaluated: 2025-12-20. Review status: criteria provided, single submitter. Criteria: Ambry Variant Classification Scheme 2023. Collection method: clinical testing. Allele origin: germline.
Comment: The p.Q1388R variant (also known as c.4163A>G), located in coding exon 11 of the MLH3 gene, results from an A to G substitution at nucleotide position 4163. The glutamine at codon 1388 is replaced by arginine, an amino acid with highly similar properties. This amino acid position is conserved. In addition, the in silico prediction for this alteration is inconclusive. Since supporting evidence is limited at this time, the clinical significance of this alteration remains unclear.

Labcorp Genetics (formerly Invitae), Labcorp
Classification: Uncertain significance for Colorectal cancer, hereditary nonpolyposis, type 7. Last evaluated: 2025-11-11. Review status: criteria provided, single submitter. Criteria: Invitae Variant Classification Sherloc (09022015). Collection method: clinical testing. Allele origin: germline.
Comment: This sequence change replaces glutamine, which is neutral and polar, with arginine, which is basic and polar, at codon 1388 of the MLH3 protein (p.Gln1388Arg). This variant is present in population databases (rs556360624, gnomAD 0.01%). This variant has not been reported in the literature in individuals affected with MLH3-related conditions. ClinVar contains an entry for this variant (Variation ID: 1738355). An algorithm developed to predict the effect of missense changes on protein structure and function outputs the following: PolyPhen-2: "Benign". The arginine amino acid residue is found in multiple mammalian species, which suggests that this missense change does not adversely affect protein function. In summary, the available evidence is currently insufficient to determine the role of this variant in disease. Therefore, it has been classified as a Variant of Uncertain Significance.

NM_001040108.2(MLH3):c.4163A>G (p.Gln1388Arg)

Gene: MLH3 (mutL homolog 3; minus strand). Cytogenetic location: 14q24.3.
Variant type: single nucleotide variant.
Coding change: c.4163A>G on transcript NM_001040108.2 (MANE Select); coding-DNA position 4163, A replaced by G.
Protein change: p.Gln1388Arg; replaces glutamine 1388 with arginine.
Molecular consequence: missense variant.
Genome position (GRCh38, 1-based): chr14:75,018,908, T>C on the plus strand (A>G on the coding strand, the complement: MLH3 is on the minus strand). VCF-style: chr14-75018908-T-C. GRCh37 (hg19) VCF-style: chr14-75485611-T-C.
Other names: c.4091A>G, p.Gln1364Arg (NM_014381.3); short protein forms Q1364R, Q1388R.
Identifiers: ClinVar variation 1738355 (VCV001738355.7), dbSNP rs556360624, ClinGen allele CA7275210.